The following is an entry in ClinVar:

NM_014727.3(KMT2B):c.4649C>G (p.Thr1550Ser)

Gene: KMT2B (lysine methyltransferase 2B; plus strand). Cytogenetic location: 19q13.12.
Variant type: single nucleotide variant.
Coding change: c.4649C>G on transcript NM_014727.3 (MANE Select); coding-DNA position 4649, C replaced by G.
Protein change: p.Thr1550Ser; replaces threonine 1550 with serine.
Molecular consequence: missense variant.
Genome position (GRCh38, 1-based): chr19:35,728,851, C>G. VCF-style: chr19-35728851-C-G. GRCh37 (hg19) VCF-style: chr19-36219752-C-G.
Other names: short protein forms T1550S.
Identifiers: ClinVar variation 3651119 (VCV003651119.2).

ClinVar aggregate classification (germline): Uncertain significance (1 of 4 stars; one submission).

Submission:

Labcorp Genetics (formerly Invitae), Labcorp
Classification: Uncertain significance. Last evaluated: 2024-04-25. Review status: criteria provided, single submitter. Criteria: Invitae Variant Classification Sherloc (09022015). Collection method: clinical testing. Allele origin: germline.
Comment: This sequence change replaces threonine, which is neutral and polar, with serine, which is neutral and polar, at codon 1550 of the KMT2B protein (p.Thr1550Ser). This variant is not present in population databases (gnomAD no frequency). This variant has not been reported in the literature in individuals affected with KMT2B-related conditions. Advanced modeling of protein sequence and biophysical properties (such as structural, functional, and spatial information, amino acid conservation, physicochemical variation, residue mobility, and thermodynamic stability) performed at Invitae indicates that this missense variant is not expected to disrupt KMT2B protein function with a negative predictive value of 95%. In summary, the available evidence is currently insufficient to determine the role of this variant in disease. Therefore, it has been classified as a Variant of Uncertain Significance.